The following is an entry in ClinVar:

ClinVar aggregate classification (germline): Uncertain significance. Review status: criteria provided, multiple submitters, no conflicts (2 of 4 stars). 2 submissions from 2 submitters: Uncertain significance (2). Last evaluated 2025-05-01.

Conditions:
Inborn genetic diseases. Identifiers: MedGen C0950123, MeSH D030342.
Kabuki syndrome. Also called: NIIKAWA-KUROKI SYNDROME; Kabuki make-up syndrome. Identifiers: Orphanet 2322, MedGen C0796004, MONDO:0016512.

Submissions (2):

Ambry Genetics
Classification: Uncertain significance for Inborn genetic diseases. Last evaluated: 2025-05-01. Review status: criteria provided, single submitter. Criteria: Ambry Variant Classification Scheme 2023. Collection method: clinical testing. Allele origin: germline.

Labcorp Genetics (formerly Invitae), Labcorp
Classification: Uncertain significance for Kabuki syndrome. Last evaluated: 2021-03-15. Review status: criteria provided, single submitter. Criteria: Invitae Variant Classification Sherloc (09022015). Collection method: clinical testing. Allele origin: germline.
Comment: In summary, the available evidence is currently insufficient to determine the role of this variant in disease. Therefore, it has been classified as a Variant of Uncertain Significance. Advanced modeling of protein sequence and biophysical properties (such as structural, functional, and spatial information, amino acid conservation, physicochemical variation, residue mobility, and thermodynamic stability) performed at Invitae indicates that this missense variant is not expected to disrupt KMT2D protein function. This variant has not been reported in the literature in individuals with KMT2D-related conditions. This variant is not present in population databases (ExAC no frequency). This sequence change replaces leucine with arginine at codon 815 of the KMT2D protein (p.Leu815Arg). The leucine residue is weakly conserved and there is a moderate physicochemical difference between leucine and arginine.

NM_003482.4(KMT2D):c.2444T>G (p.Leu815Arg)

Gene: KMT2D (lysine methyltransferase 2D; minus strand). Cytogenetic location: 12q13.12.
Variant type: single nucleotide variant.
Coding change: c.2444T>G on transcript NM_003482.4 (MANE Select); coding-DNA position 2444, T replaced by G.
Protein change: p.Leu815Arg; replaces leucine 815 with arginine.
Molecular consequence: missense variant.
Genome position (GRCh38, 1-based): chr12:49,051,239, A>C on the plus strand (T>G on the coding strand, the complement: KMT2D is on the minus strand). VCF-style: chr12-49051239-A-C. GRCh37 (hg19) VCF-style: chr12-49445022-A-C.
Other names: c.2444T>G (NM_003482.3); short protein forms L815R.
Identifiers: ClinVar variation 1436302 (VCV001436302.9), dbSNP rs1807365546, ClinGen allele CA384665789.
Genomic context (GRCh38, chr12:49,051,239, plus strand): 5'-GGGGACAGGTGTGATTCCTCAGGTTGGGGGGACAAGCATGGCTCCTCAGGCACAGGAGAC[A>C]GGTGCGGCTCCTCAGTCTGGGGGGACAGGTGCAATTCCTCAGGCTGAGGGGACAGATGTG-3'
Protein context (NP_003473.3, residues 805-825): HLSPQTEEPH[Leu815Arg]SPVPEEPCLS